The following is an entry in ClinVar:

ClinVar aggregate classification (germline): Benign/Likely benign. Review status: criteria provided, single submitter (1 of 4 stars). 2 submissions from 1 submitter: Benign (1); Likely benign (1). Last evaluated 2018-01-12.

Conditions:
Charcot-Marie-Tooth disease type 4C (CMT4C). Also called: CHARCOT-MARIE-TOOTH DISEASE, DEMYELINATING, AUTOSOMAL RECESSIVE, TYPE 4C; CMT 4C; Charcot-Marie-Tooth Neuropathy Type 4C (CMT4C); CHARCOT-MARIE-TOOTH DISEASE, DEMYELINATING, TYPE 4C; SH3TC2-Related Hereditary Motor and Sensory Neuropathy. Identifiers: Orphanet 99949, MedGen C1866636, MONDO:0011113, OMIM 601596.
Susceptibility to mononeuropathy of the median nerve, mild. Also called: CARPAL TUNNEL SYNDROME, SUSCEPTIBILITY TO. Identifiers: MedGen C3150596, MONDO:0013237, OMIM 613353.

Allele frequency attached by ClinVar (database versions not stated): gnomAD 0.00288 and 0.00313; TOPMed 0.00301; 1000 Genomes Project 0.00399; 1000 Genomes Project 30x 0.00453.
gnomAD v4.1: 436 of 152,252 alleles (0.29%); highest among the groups gnomAD compares: African/African-American, 1%; 2 homozygotes.

Submissions (2):

Illumina Laboratory Services, Illumina
Classification: Benign for Susceptibility to mononeuropathy of the median nerve, mild. Last evaluated: 2018-01-12. Review status: criteria provided, single submitter. Criteria: ICSL Variant Classification Criteria 13 December 2019. Collection method: clinical testing. Allele origin: germline.
Comment: This variant was observed in the ICSL laboratory as part of a predisposition screen in an ostensibly healthy population. It had not been previously curated by ICSL or reported in the Human Gene Mutation Database (HGMD: prior to June 1st, 2018), and was therefore a candidate for classification through an automated scoring system. Utilizing variant allele frequency, disease prevalence and penetrance estimates, and inheritance mode, an automated score was calculated to assess if this variant is too frequent to cause the disease. Based on the score and internal cut-off values, a variant classified as benign is not then subjected to further curation. The score for this variant resulted in a classification of benign for this disease.

Illumina Laboratory Services, Illumina
Classification: Likely benign for Charcot-Marie-Tooth disease type 4C. Last evaluated: 2018-01-12. Review status: criteria provided, single submitter. Criteria: ICSL Variant Classification Criteria 13 December 2019. Collection method: clinical testing. Allele origin: germline.
Comment: This variant was observed in the ICSL laboratory as part of a predisposition screen in an ostensibly healthy population. It had not been previously curated by ICSL or reported in the Human Gene Mutation Database (HGMD: prior to June 1st, 2018), and was therefore a candidate for classification through an automated scoring system. Utilizing variant allele frequency, disease prevalence and penetrance estimates, and inheritance mode, an automated score was calculated to assess if this variant is too frequent to cause the disease. Based on the score and internal cut-off values, a variant classified as likely benign is not then subjected to further curation. The score for this variant resulted in a classification of likely benign for this disease.

NM_024577.4(SH3TC2):c.*20142A>G

Genes: SH3TC2 (SH3 domain and tetratricopeptide repeats 2; minus strand), LOC126807546 (P300/CBP strongly-dependent group 1 enhancer GRCh37_chr5:148363540-148364739; plus strand). Cytogenetic location: 5q32.
Variant type: single nucleotide variant.
Coding change: c.*20142A>G on transcript NM_024577.4 (MANE Select); 20142 bases downstream of the stop codon, A replaced by G.
Molecular consequence: 3 prime UTR variant.
Genome position (GRCh38, 1-based): chr5:148,984,569, T>C on the plus strand (A>G on the coding strand, the complement: SH3TC2 is on the minus strand). VCF-style: chr5-148984569-T-C. GRCh37 (hg19) VCF-style: chr5-148364132-T-C.
Identifiers: ClinVar variation 351591 (VCV000351591.5), dbSNP rs189978591, ClinGen allele CA10619411.